The following is an entry in ClinVar:

NM_001371727.1(GABRB2):c.1294C>T (p.Leu432=)

Gene: GABRB2 (gamma-aminobutyric acid type A receptor subunit beta2; minus strand). Cytogenetic location: 5q34.
Variant type: single nucleotide variant.
Coding change: c.1294C>T on transcript NM_001371727.1 (MANE Select); coding-DNA position 1294, C replaced by T.
Protein change: p.Leu432=; no amino-acid change (leucine 432 retained).
Molecular consequence: synonymous variant.
Genome position (GRCh38, 1-based): chr5:161,294,326, G>A on the plus strand (C>T on the coding strand, the complement: GABRB2 is on the minus strand). VCF-style: chr5-161294326-G-A. GRCh37 (hg19) VCF-style: chr5-160721333-G-A.
Other names: c.1180C>T, p.Leu394= (NM_000813.3); c.1294C>T, p.Leu432= (NM_021911.3).
Identifiers: ClinVar variation 3026772 (VCV003026772.22), dbSNP rs777255206, ClinGen allele CA3543345.
Genomic context (GRCh38, chr5:161,294,326, plus strand): 5'-CAAAACTATGCCTGGGCAACCCAGCTTTCCGATACTGGATGCTGGAGGCATCATAGGCTA[G>A]CATTGTGCTTCTGGGGTCTCCAAGTCCCATCACAGCCTCAGATGTGGCCATTTCATTTTT-3'
Protein context (NP_001358656.1, residues 422-442): MGLGDPRSTM[Leu432=]AYDASSIQYR

ClinVar aggregate classification (germline): Likely benign (1 of 4 stars; one submission).

Allele frequency attached by ClinVar (database versions not stated): ExAC 0.00002.
gnomAD v4.1: 2 of 1,614,130 alleles (0.00012%); highest among the groups gnomAD compares: East Asian, 0.0022%; no homozygotes.

Submission:

CeGaT Center for Human Genetics Tuebingen
Classification: Likely benign. Last evaluated: 2024-01-01. Review status: criteria provided, single submitter. Criteria: CeGaT Center For Human Genetics Tuebingen Variant Classification Criteria Version 2. Collection method: clinical testing. Allele origin: germline. Affected: yes. Observed: 1 variant allele.
Comment: GABRB2: BP4, BP7